The following is an entry in ClinVar:

NM_019066.5(MAGEL2):c.1596G>A (p.Pro532=)

Gene: MAGEL2 (MAGE family member L2; minus strand). Cytogenetic location: 15q11.2.
Variant type: single nucleotide variant.
Coding change: c.1596G>A on transcript NM_019066.5 (MANE Select); coding-DNA position 1596, G replaced by A.
Protein change: p.Pro532=; no amino-acid change (proline 532 retained).
Molecular consequence: synonymous variant.
Genome position (GRCh38, 1-based): chr15:23,646,147, C>T on the plus strand (G>A on the coding strand, the complement: MAGEL2 is on the minus strand). VCF-style: chr15-23646147-C-T. GRCh37 (hg19) VCF-style: chr15-23891294-C-T.
Identifiers: ClinVar variation 4769158 (VCV004769158.2).

ClinVar aggregate classification (germline): Conflicting classifications of pathogenicity. Review status: criteria provided, conflicting classifications (1 of 4 stars). 2 submissions from 2 submitters: Uncertain significance (1); Likely benign (1). Last evaluated 2025-03-23.

gnomAD v4.1: 15 of 1,342,570 alleles (0.0011%); highest among the groups gnomAD compares: Admixed American, 0.02%; no homozygotes.

Submissions (2):

Labcorp Genetics (formerly Invitae), Labcorp
Classification: Uncertain significance. Last evaluated: 2025-03-23. Review status: criteria provided, single submitter. Criteria: Invitae Variant Classification Sherloc (09022015). Collection method: clinical testing. Allele origin: germline.
Comment: This sequence change affects codon 532 of the MAGEL2 mRNA. It is a 'silent' change, meaning that it does not change the encoded amino acid sequence of the MAGEL2 protein. This variant is not present in population databases (gnomAD no frequency). This variant has not been reported in the literature in individuals affected with MAGEL2-related conditions. In summary, the available evidence is currently insufficient to determine the role of this variant in disease. Therefore, it has been classified as a Variant of Uncertain Significance.

Blueprint Genetics
Classification: Likely benign. Last evaluated: 2023-01-04. Review status: criteria provided, single submitter. Criteria: ACMG Guidelines, 2015. Collection method: clinical testing. Allele origin: germline.